The following is an entry in ClinVar:

NM_001134407.3(GRIN2A):c.1418T>G (p.Phe473Cys)

Gene: GRIN2A (glutamate ionotropic receptor NMDA type subunit 2A; minus strand). Cytogenetic location: 16p13.2.
Variant type: single nucleotide variant.
Coding change: c.1418T>G on transcript NM_001134407.3 (MANE Select); coding-DNA position 1418, T replaced by G.
Protein change: p.Phe473Cys; replaces phenylalanine 473 with cysteine.
Molecular consequence: missense variant.
Genome position (GRCh38, 1-based): chr16:9,841,015, A>C on the plus strand (T>G on the coding strand, the complement: GRIN2A is on the minus strand). VCF-style: chr16-9841015-A-C. GRCh37 (hg19) VCF-style: chr16-9934872-A-C.
Other names: c.1418T>G, p.Phe473Cys (NM_000833.5, NM_001134408.2); short protein forms F473C.
Identifiers: ClinVar variation 1024662 (VCV001024662.5), dbSNP rs2042667786, ClinGen allele CA394800695.

ClinVar aggregate classification (germline): Uncertain significance (1 of 4 stars; one submission).

Conditions:
Landau-Kleffner syndrome (FESD). Also called: APHASIA, ACQUIRED, WITH EPILEPSY; EPILEPSY, FOCAL, WITH SPEECH DISORDER AND WITH OR WITHOUT MENTAL RETARDATION. Identifiers: Orphanet 1945, Orphanet 725, Orphanet 98818, MedGen C0282512, MONDO:0009509, OMIM 245570.

Submission:

Labcorp Genetics (formerly Invitae), Labcorp
Classification: Uncertain significance for Landau-Kleffner syndrome. Last evaluated: 2021-04-12. Review status: criteria provided, single submitter. Criteria: Invitae Variant Classification Sherloc (09022015). Collection method: clinical testing. Allele origin: germline.
Comment: In summary, the available evidence is currently insufficient to determine the role of this variant in disease. Therefore, it has been classified as a Variant of Uncertain Significance. Algorithms developed to predict the effect of missense changes on protein structure and function (SIFT, PolyPhen-2, Align-GVGD) all suggest that this variant is likely to be disruptive, but these predictions have not been confirmed by published functional studies and their clinical significance is uncertain. This variant has not been reported in the literature in individuals with GRIN2A-related conditions. This variant is not present in population databases (ExAC no frequency). This sequence change replaces phenylalanine with cysteine at codon 473 of the GRIN2A protein (p.Phe473Cys). The phenylalanine residue is highly conserved and there is a large physicochemical difference between phenylalanine and cysteine.